The following is an entry in ClinVar:

NM_000535.7(PMS2):c.2295T>C (p.Ala765=)

Gene: PMS2 (PMS1 homolog 2, mismatch repair system component; minus strand). Cytogenetic location: 7p22.1.
Variant type: single nucleotide variant.
Coding change: c.2295T>C on transcript NM_000535.7 (MANE Select); coding-DNA position 2295, T replaced by C.
Protein change: p.Ala765=; no amino-acid change (alanine 765 retained).
Molecular consequence: synonymous variant. On other transcripts: intron variant (2).
Genome position (GRCh38, 1-based): chr7:5,977,738, A>G on the plus strand (T>C on the coding strand, the complement: PMS2 is on the minus strand). VCF-style: chr7-5977738-A-G. GRCh37 (hg19) VCF-style: chr7-6017369-A-G.
Other names: c.2172T>C, p.Ala724= (NM_001406870.1); c.2127T>C, p.Ala709= (NM_001406872.1, NM_001406874.1); c.2097T>C, p.Ala699= (NM_001406873.1); c.2019T>C, p.Ala673= (NM_001406875.1); c.2010T>C, p.Ala670= (NM_001406876.1); c.1986T>C, p.Ala662= (NM_001406877.1, NM_001406878.1, NM_001406879.1 and 4 more transcripts); c.1977T>C, p.Ala659= (NM_001406883.1, NM_001322007.2, NM_001322008.2); c.1971T>C, p.Ala657= (NM_001406884.1); and 20 more.
Identifiers: ClinVar variation 1789168 (VCV001789168.3), dbSNP rs2128675594, ClinGen allele CA453642482.

ClinVar aggregate classification (germline): Benign/Likely benign. Review status: criteria provided, multiple submitters, no conflicts (2 of 4 stars). 2 submissions from 2 submitters: Benign (1); Likely benign (1). Last evaluated 2025-02-03.

Conditions:
Hereditary cancer-predisposing syndrome. Also called: Hereditary Cancer Syndrome; Hereditary neoplastic syndrome; Tumor predisposition; Neoplastic Syndromes, Hereditary. Identifiers: Orphanet 140162, MedGen C0027672, MeSH D009386, MONDO:0015356.
Lynch syndrome 4 (LYNCH4). Also called: Colorectal cancer, hereditary nonpolyposis, type 4; Hereditary non-polyposis colorectal cancer, type 4. Identifiers: Orphanet 144, MedGen C1838333, MONDO:0013699, OMIM 614337. Disease mechanism: loss of function.

Submissions (2):

Myriad Genetics, Inc.
Classification: Benign for Lynch syndrome 4. Last evaluated: 2025-02-03. Review status: criteria provided, single submitter. Criteria: Myriad Autosomal Dominant, Autosomal Recessive and X-Linked Classification Criteria (2023). Collection method: clinical testing. Allele origin: unknown.
Comment: This variant is considered benign. This variant is a silent/synonymous amino acid change and it is not expected to impact splicing.

Ambry Genetics
Classification: Likely benign for Hereditary cancer-predisposing syndrome. Last evaluated: 2017-11-10. Review status: criteria provided, single submitter. Criteria: Ambry Variant Classification Scheme 2023. Collection method: clinical testing. Allele origin: germline.